The following is an entry in ClinVar:

NM_000051.4(ATM):c.6199G>A (p.Ala2067Thr)

Genes: ATM (ATM serine/threonine kinase; plus strand), C11orf65 (chromosome 11 open reading frame 65; minus strand). Cytogenetic location: 11q22.3.
Variant type: single nucleotide variant.
Coding change: c.6199G>A on transcript NM_000051.4 (MANE Select); coding-DNA position 6199, G replaced by A.
Protein change: p.Ala2067Thr; replaces alanine 2067 with threonine.
Molecular consequence: missense variant. On other transcripts: intron variant (2).
Genome position (GRCh38, 1-based): chr11:108,317,373, G>A. VCF-style: chr11-108317373-G-A. GRCh37 (hg19) VCF-style: chr11-108188100-G-A.
Other names: c.6199G>A, p.Ala2067Thr (NM_001351834.2); c.641-8302C>T (NM_001330368.2); c.*39-8302C>T (NM_001351110.2); short protein forms A2067T.
Identifiers: ClinVar variation 489567 (VCV000489567.13), dbSNP rs1555114549, ClinGen allele CA382551006.

ClinVar aggregate classification (germline): Uncertain significance. Review status: criteria provided, multiple submitters, no conflicts (2 of 4 stars). 3 submissions from 3 submitters: Uncertain significance (3). Last evaluated 2026-08-07.

Conditions:
Hereditary cancer-predisposing syndrome. Also called: Neoplastic Syndromes, Hereditary; Hereditary Cancer Syndrome; Tumor predisposition; Hereditary neoplastic syndrome. Identifiers: Orphanet 140162, MedGen C0027672, MeSH D009386, MONDO:0015356.
Ataxia-telangiectasia syndrome (AT). Also called: LOUIS-BAR SYNDROME; Cerebello-oculocutaneous telangiectasia; Immunodeficiency with ataxia telangiectasia; Ataxia-telangiectasia, complementation group D; AT, COMPLEMENTATION GROUP C; Ataxia-telangiectasia, complementation group E. Identifiers: Orphanet 100, MedGen C0004135, MONDO:0008840, OMIM 208900.

Submissions (3):

Ambry Genetics
Classification: Uncertain significance for Hereditary cancer-predisposing syndrome. Last evaluated: 2026-08-07. Review status: criteria provided, single submitter. Criteria: Ambry Variant Classification Scheme 2023. Collection method: clinical testing. Allele origin: germline.
Comment: The p.A2067T variant (also known as c.6199G>A) is located in coding exon 42 of the ATM gene. The alanine at codon 2067 is replaced by threonine, an amino acid with similar properties. This change occurs in the first base pair of coding exon 42. In an assay testing ATM function, this variant showed a functionally indeterminant result (Lee KS et al. Cell, 2025 Sep;188:5081-5099.e27). This amino acid position is well conserved in available vertebrate species. In addition, this alteration is predicted to be tolerated by in silico analysis. Based on the available evidence, the clinical significance of this variant remains unclear.

Labcorp Genetics (formerly Invitae), Labcorp
Classification: Uncertain significance for Ataxia-telangiectasia syndrome. Last evaluated: 2025-11-02. Review status: criteria provided, single submitter. Criteria: Invitae Variant Classification Sherloc (09022015). Collection method: clinical testing. Allele origin: germline.
Comment: This sequence change replaces alanine, which is neutral and non-polar, with threonine, which is neutral and polar, at codon 2067 of the ATM protein (p.Ala2067Thr). This variant is not present in population databases (gnomAD no frequency). This variant has not been reported in the literature in individuals affected with ATM-related conditions. ClinVar contains an entry for this variant (Variation ID: 489567). An algorithm developed to predict the effect of missense changes on protein structure and function (PolyPhen-2) suggests that this variant is likely to be tolerated. This variant disrupts the p.Ala2067 amino acid residue in ATM. Other variant(s) that disrupt this residue have been determined to be pathogenic (PMID: 9887333, 22345219, 25077176, 25914063). This suggests that this residue is clinically significant, and that variants that disrupt this residue are likely to be disease-causing. In summary, the available evidence is currently insufficient to determine the role of this variant in disease. Therefore, it has been classified as a Variant of Uncertain Significance.

Color Diagnostics, LLC DBA Color Health
Classification: Uncertain significance for Hereditary cancer-predisposing syndrome. Last evaluated: 2019-06-07. Review status: criteria provided, single submitter. Criteria: ACMG Guidelines, 2015. Collection method: clinical testing. Allele origin: germline.

Literature cited by the submitters: PubMed 40580951 (cited by Ambry Genetics); PubMed 9887333 (cited by Labcorp Genetics (formerly Invitae), Labcorp); PubMed 22345219 (cited by Labcorp Genetics (formerly Invitae), Labcorp); PubMed 25077176 (cited by Labcorp Genetics (formerly Invitae), Labcorp); PubMed 25914063 (cited by Labcorp Genetics (formerly Invitae), Labcorp).